The following is an entry in ClinVar:

ClinVar aggregate classification (germline): Pathogenic (1 of 4 stars; one submission).

Conditions:
Neurofibromatosis, type 1 (NF1). Also called: NEUROFIBROMATOSIS, TYPE I, SOMATIC; VON RECKLINGHAUSEN DISEASE; Peripheral type neurofibromatosis; Neurofibromatosis, type I. Identifiers: Orphanet 636, MedGen C0027831, MONDO:0018975, OMIM 162200. Disease mechanism: loss of function.

Submission:

Labcorp Genetics (formerly Invitae), Labcorp
Classification: Pathogenic for Neurofibromatosis, type 1. Last evaluated: 2025-04-09. Review status: criteria provided, single submitter. Criteria: Invitae Variant Classification Sherloc (09022015). Collection method: clinical testing. Allele origin: germline.
Comment: This sequence change creates a premature translational stop signal (p.Glu688Lysfs*60) in the NF1 gene. It is expected to result in an absent or disrupted protein product. Loss-of-function variants in NF1 are known to be pathogenic (PMID: 10712197, 23913538). This variant is not present in population databases (gnomAD no frequency). This variant has not been reported in the literature in individuals affected with NF1-related conditions. For these reasons, this variant has been classified as Pathogenic.

Literature cited by the submitters: PubMed 10712197; PubMed 23913538.

NM_001042492.3(NF1):c.2062del (p.Glu688fs)

Gene: NF1 (neurofibromin 1; plus strand). Cytogenetic location: 17q11.2.
Variant type: Deletion.
Coding change: c.2062del on transcript NM_001042492.3 (MANE Select); coding-DNA position 2062, one base deleted (G; older notation c.2062delG).
Protein change: p.Glu688fs; shifts the reading frame from glutamic acid 688.
Molecular consequence: frameshift variant.
Genome position (GRCh38, 1-based): chr17:31,226,495, G deleted. VCF-style (leftmost placement, unchanged base first): chr17-31226494-AG-A. GRCh37 (hg19) VCF-style: chr17-29553512-AG-A.
Other names: c.2062del, p.Glu688fs (NM_000267.4); short protein forms E688fs.
Identifiers: ClinVar variation 4716958 (VCV004716958.1).